The following is an entry in ClinVar:

NM_001355436.2(SPTB):c.3572_3596del (p.Leu1191fs)

Gene: SPTB (spectrin beta, erythrocytic; minus strand). Cytogenetic location: 14q23.3.
Variant type: Deletion.
Coding change: c.3572_3596del on transcript NM_001355436.2 (MANE Select); coding-DNA positions 3572 to 3596, 25 bases deleted (TGGCTCACTTGGAGCCCCCAGACTC).
Protein change: p.Leu1191fs; shifts the reading frame from leucine 1191.
Molecular consequence: frameshift variant.
Genome position (GRCh38, 1-based): chr14:64,785,917-64,785,941, GAGTCTGGGGGCTCCAAGTGAGCCA deleted on the plus strand (TGGCTCACTTGGAGCCCCCAGACTC on the coding strand, the reverse complement: SPTB is on the minus strand); deleting any 25 consecutive bases within chr14:64,785,917-64,785,945 gives the same sequence; the c. name uses the placement nearest the transcript's 3' end. VCF-style (leftmost placement, unchanged base first): chr14-64785916-GGAGTCTGGGGGCTCCAAGTGAGCCA-G. GRCh37 (hg19) VCF-style: chr14-65252634-GGAGTCTGGGGGCTCCAAGTGAGCCA-G.
Other names: c.3572_3596del, p.Leu1191fs (NM_001024858.4, NM_001355437.2); short protein forms L1191fs.
Identifiers: ClinVar variation 3727115 (VCV003727115.2).

ClinVar aggregate classification (germline): Pathogenic (1 of 4 stars; one submission).

Submission:

Labcorp Genetics (formerly Invitae), Labcorp
Classification: Pathogenic. Last evaluated: 2024-12-19. Review status: criteria provided, single submitter. Criteria: Invitae Variant Classification Sherloc (09022015). Collection method: clinical testing. Allele origin: germline.
Comment: This sequence change creates a premature translational stop signal (p.Leu1191Profs*27) in the SPTB gene. It is expected to result in an absent or disrupted protein product. Loss-of-function variants in SPTB are known to be pathogenic (PMID: 1391962, 1498324, 8844207, 26830532, 27292444). This variant is not present in population databases (gnomAD no frequency). This variant has not been reported in the literature in individuals affected with SPTB-related conditions. For these reasons, this variant has been classified as Pathogenic.

Literature cited by the submitters: PubMed 1391962; PubMed 1498324; PubMed 8844207; PubMed 26830532; PubMed 27292444.